The following is an entry in ClinVar:

ClinVar aggregate classification (germline): Conflicting classifications of pathogenicity. Review status: criteria provided, conflicting classifications (1 of 4 stars). 3 submissions from 3 submitters: Uncertain significance (1); Likely benign (2). Last evaluated 2026-05-22.

Conditions:
ABCB11-related disorder. Also called: ABCB11-related condition.

Allele frequency attached by ClinVar (database versions not stated): gnomAD 0.00001; gnomAD exomes 0.00001; TOPMed 0.00001.
gnomAD v4.1: 11 of 1,612,332 alleles (0.00068%); highest among the groups gnomAD compares: Admixed American, 0.015%; no homozygotes.

Submissions (3):

PreventionGenetics, part of Exact Sciences
Classification: Likely benign for ABCB11-related condition. Last evaluated: 2026-05-22. Review status: criteria provided, single submitter. Criteria: ACMG Guidelines, 2015. Collection method: clinical testing. Allele origin: germline.
Comment: This variant is classified as likely benign based on ACMG/AMP sequence variant interpretation guidelines (Richards et al. 2015 PMID: 25741868, with internal and published modifications).

Labcorp Genetics (formerly Invitae), Labcorp
Classification: Likely benign. Last evaluated: 2024-02-29. Review status: criteria provided, single submitter. Criteria: Invitae Variant Classification Sherloc (09022015). Collection method: clinical testing. Allele origin: germline.

Eurofins Ntd Llc (ga)
Classification: Uncertain significance. Last evaluated: 2017-06-27. Review status: criteria provided, single submitter. Criteria: EGL Classification Definitions 2015. Collection method: clinical testing. Allele origin: germline. Observed: 1 variant allele, 1 heterozygote.

NM_003742.4(ABCB11):c.2457C>A (p.Ala819=)

Gene: ABCB11 (ATP binding cassette subfamily B member 11; minus strand). Cytogenetic location: 2q31.1.
Variant type: single nucleotide variant.
Coding change: c.2457C>A on transcript NM_003742.4 (MANE Select); coding-DNA position 2457, C replaced by A.
Protein change: p.Ala819=; no amino-acid change (alanine 819 retained).
Molecular consequence: synonymous variant.
Genome position (GRCh38, 1-based): chr2:168,944,758, G>T on the plus strand (C>A on the coding strand, the complement: ABCB11 is on the minus strand). VCF-style: chr2-168944758-G-T. GRCh37 (hg19) VCF-style: chr2-169801268-G-T.
Other names: c.2457C>A (NM_003742.2); c.2457C>A, p.Ala819= (LRG_1199t1).
Identifiers: ClinVar variation 502754 (VCV000502754.14), dbSNP rs1398103963, ClinGen allele CA429985390.